The following is an entry in ClinVar:

ClinVar aggregate classification (germline): Pathogenic (1 of 4 stars; one submission).

Conditions:
Supravalvar aortic stenosis (SVAS). Also called: Supravalvar aortic stenosis, Eisenberg type. Identifiers: Orphanet 3193, MedGen C0003499, MONDO:0008504, OMIM 185500, HP:0004381.

Submission:

Labcorp Genetics (formerly Invitae), Labcorp
Classification: Pathogenic for Supravalvar aortic stenosis. Last evaluated: 2019-01-31. Review status: criteria provided, single submitter. Criteria: Invitae Variant Classification Sherloc (09022015). Collection method: clinical testing. Allele origin: germline.
Comment: This sequence change affects a donor splice site in intron 3 of the ELN gene. It is expected to disrupt RNA splicing and likely results in an absent or disrupted protein product. This variant is not present in population databases (ExAC no frequency). Disruption of this splice site has been observed in several individuals affected with supravalvular aortic stenosis (PMID: 19844261, 9215670, 11175284) and was observed in siblings with pulmonic stenosis (Invitae). Algorithms developed to predict the effect of sequence changes on RNA splicing suggest that this variant may disrupt the consensus splice site, but this prediction has not been confirmed by published transcriptional studies. Donor and acceptor splice site variants typically lead to a loss of protein function (PMID: 16199547), and loss-of-function variants in ELN are known to be pathogenic (PMID: 11175284). For these reasons, this variant has been classified as Pathogenic.

Literature cited by the submitters: PubMed 19844261; PubMed 9215670; PubMed 11175284; PubMed 16199547.

NM_000501.4(ELN):c.163+2T>C

Gene: ELN (elastin; plus strand). Cytogenetic location: 7q11.23.
Variant type: single nucleotide variant.
Coding change: c.163+2T>C on transcript NM_000501.4 (MANE Select); the canonical splice donor site of the intron after coding-DNA position 163, T replaced by C.
Molecular consequence: splice donor variant. On other transcripts: intron variant (4).
Genome position (GRCh38, 1-based): chr7:74,036,586, T>C. VCF-style: chr7-74036586-T-C. GRCh37 (hg19) VCF-style: chr7-73450916-T-C.
Other names: c.163+2T>C (NM_001081754.3, NM_001081753.3, NM_001278939.2 and 5 more transcripts); c.134-1121T>C (NM_001278914.2, NM_001278917.2, NM_001081752.3 and 1 more transcripts).
Identifiers: ClinVar variation 652801 (VCV000652801.11), dbSNP rs1584494326, ClinGen allele CA367868973.
Genomic context (GRCh38, chr7:74,036,586, plus strand): 5'-TCTCTCTTTCTCTTTCTCTCCCCCCACAGGGGCTGGTCTCGGAGCCCTTGGAGGAGGAGG[T>C]GAGCTCAGAAACCACACTTGTTCATCACTGAAAGGGCCTGGGTTTCACCCGAGCCACATG-3'